The following is an entry in ClinVar:

ClinVar aggregate classification (germline): Uncertain significance. Review status: criteria provided, multiple submitters, no conflicts (2 of 4 stars). 3 submissions from 3 submitters: Uncertain significance (3). Last evaluated 2025-02-27.

Conditions:
Familial thoracic aortic aneurysm and aortic dissection (TAAD). Also called: Thoracic aortic aneurysms and dissections. Identifiers: Orphanet 91387, MedGen C4707243, MONDO:0019625.

Submissions (3):

Labcorp Genetics (formerly Invitae), Labcorp
Classification: Uncertain significance for Familial thoracic aortic aneurysm and aortic dissection. Last evaluated: 2025-02-27. Review status: criteria provided, single submitter. Criteria: Invitae Variant Classification Sherloc (09022015). Collection method: clinical testing. Allele origin: germline.
Comment: This sequence change replaces lysine, which is basic and polar, with threonine, which is neutral and polar, at codon 124 of the TGFBR2 protein (p.Lys124Thr). This variant is not present in population databases (gnomAD no frequency). This variant has not been reported in the literature in individuals affected with TGFBR2-related conditions. ClinVar contains an entry for this variant (Variation ID: 925466). Invitae Evidence Modeling of protein sequence and biophysical properties (such as structural, functional, and spatial information, amino acid conservation, physicochemical variation, residue mobility, and thermodynamic stability) indicates that this missense variant is not expected to disrupt TGFBR2 protein function with a negative predictive value of 95%. In summary, the available evidence is currently insufficient to determine the role of this variant in disease. Therefore, it has been classified as a Variant of Uncertain Significance.

ARUP Laboratories, Molecular Genetics and Genomics, ARUP Laboratories
Classification: Uncertain significance. Last evaluated: 2025-02-26. Review status: criteria provided, single submitter. Criteria: ARUP Molecular Germline Variant Investigation Process 2024. Collection method: clinical testing. Allele origin: germline.
Comment: The TGFBR2 c.371A>C; p.Lys124Thr variant (rs776374040), to our knowledge, is not reported in the medical literature but is reported in ClinVar (Variation ID: 925466). This variant is absent from the Genome Aggregation Database (v2.1.1), indicating it is not a common polymorphism. Computational analyses are uncertain whether this variant is neutral or deleterious (REVEL: 0.426). Due to limited information, the clinical significance of this variant is uncertain at this time.

Color Diagnostics, LLC DBA Color Health
Classification: Uncertain significance for Familial thoracic aortic aneurysm and aortic dissection. Last evaluated: 2023-12-04. Review status: criteria provided, single submitter. Criteria: ACMG Guidelines, 2015. Collection method: clinical testing. Allele origin: germline.
Comment: Variant of Uncertain Significance due to insufficient evidence: This missense variant is located in the extracellular domain of the TGFBR2 protein. Computational prediction tools and conservation analyses are inconclusive regarding the impact of this variant on the protein function. Computational splicing tools suggest that this variant may not impact RNA splicing. To our knowledge, functional assays have not been performed for this variant nor has this variant been reported in individuals affected with cardiovascular disorders in the literature. This variant is rare in the general population and has been identified in 0/277264 chromosomes by the Genome Aggregation Database (gnomAD). Available evidence is insufficient to determine the pathogenicity of this variant conclusively.

NM_003242.6(TGFBR2):c.371A>C (p.Lys124Thr)

Gene: TGFBR2 (transforming growth factor beta receptor 2; plus strand). Cytogenetic location: 3p24.1.
Variant type: single nucleotide variant.
Coding change: c.371A>C on transcript NM_003242.6 (MANE Select); coding-DNA position 371, A replaced by C.
Protein change: p.Lys124Thr; replaces lysine 124 with threonine.
Molecular consequence: missense variant.
Genome position (GRCh38, 1-based): chr3:30,650,377, A>C. VCF-style: chr3-30650377-A-C. GRCh37 (hg19) VCF-style: chr3-30691869-A-C.
Other names: c.446A>C, p.Lys149Thr (NM_001024847.3, NM_001407126.1, NM_001407139.1); c.371A>C, p.Lys124Thr (NM_001407127.1, NM_001407130.1); c.398A>C, p.Lys133Thr (NM_001407128.1); c.266A>C, p.Lys89Thr (NM_001407129.1, NM_001407132.1, NM_001407133.1 and 3 more transcripts); short protein forms K124T, K149T, K89T, K133T.
Identifiers: ClinVar variation 925466 (VCV000925466.8), dbSNP rs776374040, ClinGen allele CA351806937.
Genomic context (GRCh38, chr3:30,650,377, plus strand): 5'-CCAAGCTCCCCTACCATGACTTTATTCTGGAAGATGCTGCTTCTCCAAAGTGCATTATGA[A>C]GGAAAAAAAAAAGCCTGGTGAGACTTTCTTCATGTGTTCCTGTAGCTCTGATGAGTGCAA-3'
Protein context (NP_003233.4, residues 114-134): EDAASPKCIM[Lys124Thr]EKKKPGETFF